The following is an entry in ClinVar:

ClinVar aggregate classification (germline): Uncertain significance. Review status: criteria provided, multiple submitters, no conflicts (2 of 4 stars). 2 submissions from 2 submitters: Uncertain significance (2). Last evaluated 2025-05-13.

Conditions:
Pancreatic adenocarcinoma. Identifiers: MedGen C0281361, MONDO:0006047, HP:0006725.

Allele frequency attached by ClinVar (database versions not stated): TOPMed 0.00002.
gnomAD v4.1: 19 of 1,519,562 alleles (0.0013%); highest among the groups gnomAD compares: Non-Finnish European, 0.0017%; no homozygotes.

Submissions (2):

Labcorp Genetics (formerly Invitae), Labcorp
Classification: Uncertain significance for Pancreatic adenocarcinoma. Last evaluated: 2025-05-13. Review status: criteria provided, single submitter. Criteria: Invitae Variant Classification Sherloc (09022015). Collection method: clinical testing. Allele origin: germline.
Comment: This sequence change replaces proline, which is neutral and non-polar, with arginine, which is basic and polar, at codon 153 of the PALLD protein (p.Pro153Arg). This variant is present in population databases (no rsID available, gnomAD 0.005%). This variant has not been reported in the literature in individuals affected with PALLD-related conditions. ClinVar contains an entry for this variant (Variation ID: 652423). An algorithm developed to predict the effect of missense changes on protein structure and function (PolyPhen-2) suggests that this variant is likely to be disruptive. In summary, the available evidence is currently insufficient to determine the role of this variant in disease. Therefore, it has been classified as a Variant of Uncertain Significance.

Ambry Genetics
Classification: Uncertain significance. Last evaluated: 2024-11-23. Review status: criteria provided, single submitter. Criteria: Ambry Variant Classification Scheme 2023. Collection method: clinical testing. Allele origin: germline.
Comment: The p.P153R variant (also known as c.458C>G), located in coding exon 1 of the PALLD gene, results from a C to G substitution at nucleotide position 458. The proline at codon 153 is replaced by arginine, an amino acid with dissimilar properties. This amino acid position is conserved. In addition, the in silico prediction for this alteration is inconclusive. Based on the available evidence, the clinical significance of this variant remains unclear.

NM_001166108.2(PALLD):c.1965-12573C>G

Gene: PALLD (palladin, cytoskeletal associated protein; plus strand). Cytogenetic location: 4q32.3.
Variant type: single nucleotide variant.
Coding change: c.1965-12573C>G on transcript NM_001166108.2 (MANE Select); 12573 bases into the intron before coding-DNA position 1965, C replaced by G.
Molecular consequence: intron variant. On other transcripts: missense variant (1).
Genome position (GRCh38, 1-based): chr4:168,878,349, C>G. VCF-style: chr4-168878349-C-G. GRCh37 (hg19) VCF-style: chr4-169799500-C-G.
Other names: c.458C>G, p.Pro153Arg (NM_001166110.2); c.1965-12573C>G (NM_016081.4); c.819-12573C>G (NM_001166109.2); c.-157-12573C>G (NM_001367570.1, NM_001367568.1, NM_001367567.1 and 1 more transcripts); short protein forms P153R.
Identifiers: ClinVar variation 652423 (VCV000652423.9), dbSNP rs1220928329, ClinGen allele CA358796720.